The following is an entry in ClinVar:

ClinVar aggregate classification (germline): Likely pathogenic (1 of 4 stars; one submission).

Conditions:
Dilated cardiomyopathy 1G (CMD1G). Identifiers: Orphanet 154, MedGen C1858763, MONDO:0011400, OMIM 604145.
Autosomal recessive limb-girdle muscular dystrophy type 2J (LGMDR10). Also called: Limb-girdle muscular dystrophy, type 2J; MUSCULAR DYSTROPHY, LIMB-GIRDLE, AUTOSOMAL RECESSIVE 10. Identifiers: Orphanet 140922, MedGen C1837342, MONDO:0012127, OMIM 608807.

Submission:

Labcorp Genetics (formerly Invitae), Labcorp
Classification: Likely pathogenic for Dilated cardiomyopathy 1G; Autosomal recessive limb-girdle muscular dystrophy type 2J. Last evaluated: 2020-03-01. Review status: criteria provided, single submitter. Criteria: Invitae Variant Classification Sherloc (09022015). Collection method: clinical testing. Allele origin: germline.
Comment: This sequence change results in a premature translational stop signal in the TTN gene (p.Thr17384Asnfs*6). While this is not anticipated to result in nonsense mediated decay, it is expected to create a truncated TTN protein. This variant is not present in population databases (ExAC no frequency). This variant has not been reported in the literature in individuals with TTN-related conditions. This variant is located in the A band of TTN (PMID: 25589632). Truncating variants in this region are significantly overrepresented in patients affected with dilated cardiomyopathy (PMID: 25589632). Truncating variants in this region have also been reported in individuals affected with autosomal recessive centronuclear myopathy (PMID: 23975875). In summary, the currently available evidence indicates that the variant is pathogenic, but additional data are needed to prove that conclusively. Therefore, this variant has been classified as Likely Pathogenic.

Literature cited by the submitters: PubMed 25589632; PubMed 23975875.

NM_001267550.2(TTN):c.52150dup (p.Thr17384fs)

Genes: TTN-AS1 (TTN antisense RNA 1; plus strand), TTN (titin; minus strand). Cytogenetic location: 2q31.2.
Variant type: Duplication.
Coding change: c.52150dup on transcript NM_001267550.2 (MANE Select); coding-DNA position 52150, one base duplicated (A; older notation c.52150dupA).
Protein change: p.Thr17384fs; shifts the reading frame from threonine 17384.
Molecular consequence: frameshift variant.
Genome position (GRCh38, 1-based): chr2:178,608,861, T duplicated on the plus strand (A on the coding strand, the reverse complement: TTN is on the minus strand). VCF-style (leftmost placement, unchanged base first): chr2-178608860-G-GT. GRCh37 (hg19) VCF-style: chr2-179473587-G-GT.
Other names: c.47227dup, p.Thr15743fs (NM_001256850.1); c.24955dup, p.Thr8319fs (NM_003319.4); c.44446dup, p.Thr14816fs (NM_133378.4); c.25330dup, p.Thr8444fs (NM_133432.3); c.25531dup, p.Thr8511fs (NM_133437.4); short protein forms T14816fs, T15743fs, T17384fs, T8319fs, T8444fs, T8511fs.
Identifiers: ClinVar variation 1067986 (VCV001067986.9), dbSNP rs2154197954, ClinGen allele CA2499215425.
Genomic context (GRCh38, chr2:178,608,860, plus strand): 5'-TAGTTTATGATTTCACTGCCACCATCATCAAGGGGTGGTTCCCATTTACAAAGGACTGAG[G>GT]TCTTTCTGATATCTTCAAATACAAAGTTGATTGGTGGTCCCGGTGTATCTAATATTTCAG-3'